The following is an entry in ClinVar:

ClinVar aggregate classification (germline): Uncertain significance (1 of 4 stars; one submission).

gnomAD v4.1: 7 of 1,613,864 alleles (0.00043%); highest among the groups gnomAD compares: Non-Finnish European, 0.00051%; no homozygotes.

Submission:

CeGaT Center for Human Genetics Tuebingen
Classification: Uncertain significance. Last evaluated: 2025-07-01. Review status: criteria provided, single submitter. Criteria: CeGaT Center For Human Genetics Tuebingen Variant Classification Criteria Version 2. Collection method: clinical testing. Allele origin: germline. Affected: yes. Observed: 1 variant allele.
Comment: FYCO1: PM2, BP4

NM_024513.4(FYCO1):c.1046A>G (p.Gln349Arg)

Gene: FYCO1 (FYVE and coiled-coil domain autophagy adaptor 1; minus strand). Cytogenetic location: 3p21.31.
Variant type: single nucleotide variant.
Coding change: c.1046A>G on transcript NM_024513.4 (MANE Select); coding-DNA position 1046, A replaced by G.
Protein change: p.Gln349Arg; replaces glutamine 349 with arginine.
Molecular consequence: missense variant. On other transcripts: non-coding transcript variant (1).
Genome position (GRCh38, 1-based): chr3:45,968,288, T>C on the plus strand (A>G on the coding strand, the complement: FYCO1 is on the minus strand). VCF-style: chr3-45968288-T-C. GRCh37 (hg19) VCF-style: chr3-46009780-T-C.
Other names: c.902A>G, p.Gln301Arg (NM_001386427.1); c.1046A>G, p.Gln349Arg (NM_001386428.1, NM_001386429.1, NM_001386421.1 and 4 more transcripts); c.446A>G, p.Gln149Arg (NM_001386430.1); c.926A>G, p.Gln309Arg (NM_001386426.1); short protein forms Q149R, Q301R, Q309R, Q349R.
Identifiers: ClinVar variation 4085349 (VCV004085349.8).